The following is an entry in ClinVar:

NM_000424.4(KRT5):c.1049C>A (p.Ala350Asp)

Gene: KRT5 (keratin 5; minus strand). Cytogenetic location: 12q13.13.
Variant type: single nucleotide variant.
Coding change: c.1049C>A on transcript NM_000424.4 (MANE Select); coding-DNA position 1049, C replaced by A.
Protein change: p.Ala350Asp; replaces alanine 350 with aspartic acid.
Molecular consequence: missense variant.
Genome position (GRCh38, 1-based): chr12:52,517,633, G>T on the plus strand (C>A on the coding strand, the complement: KRT5 is on the minus strand). VCF-style: chr12-52517633-G-T. GRCh37 (hg19) VCF-style: chr12-52911417-G-T.
Other names: short protein forms A350D.
Identifiers: ClinVar variation 5023435 (VCV005023435.1).

ClinVar aggregate classification (germline): Uncertain significance (1 of 4 stars; one submission).

Conditions:
Inborn genetic diseases. Identifiers: MedGen C0950123, MeSH D030342.

Submission:

Ambry Genetics
Classification: Uncertain significance for Inborn genetic diseases. Last evaluated: 2026-07-22. Review status: criteria provided, single submitter. Criteria: Ambry Variant Classification Scheme 2023. Collection method: clinical testing. Allele origin: germline.
Comment: The c.1049C>A (p.A350D) alteration is located in exon 5 (coding exon 5) of the KRT5 gene. This alteration results from a C to A substitution at nucleotide position 1049, causing the alanine (A) at amino acid position 350 to be replaced by an aspartic acid (D). This variant was not reported in population-based cohorts in the Genome Aggregation Database (gnomAD). This amino acid position is highly conserved in available vertebrate species. This alteration is predicted to be deleterious by in silico analysis. Based on insufficient or conflicting evidence, the clinical significance of this alteration remains unclear.